The following is an entry in ClinVar:

NM_000455.5(STK11):c.326dup (p.Asn109fs)

Gene: STK11 (serine/threonine kinase 11; plus strand). Cytogenetic location: 19p13.3.
Variant type: Duplication.
Coding change: c.326dup on transcript NM_000455.5 (MANE Select); coding-DNA position 326, one base duplicated (A; older notation c.326dupA).
Protein change: p.Asn109fs; shifts the reading frame from asparagine 109.
Molecular consequence: frameshift variant.
Genome position (GRCh38, 1-based): chr19:1,218,452, A duplicated; the last of 5 consecutive A bases (chr19:1,218,448-1,218,452); duplicating any one gives the same sequence. VCF-style (leftmost placement, unchanged base first): chr19-1218447-C-CA. GRCh37 (hg19) VCF-style: chr19-1218446-C-CA.
Other names: p.Asn109LysfsTer54; c.326dupA (NM_000455.5); c.326dup, p.Asn109Lysfs (NM_001407255.1); short protein forms N109fs.
Identifiers: ClinVar variation 1712345 (VCV001712345.2), dbSNP rs886041996, ClinGen allele CA2580096025.

ClinVar aggregate classification (germline): Likely pathogenic (1 of 4 stars; one submission).

Conditions:
Peutz-Jeghers syndrome (PJS). Also called: Peutz-Jeghers polyposis; Periorificial lentiginosis syndrome; POLYPOSIS, HAMARTOMATOUS INTESTINAL; POLYPS-AND-SPOTS SYNDROME. Identifiers: Orphanet 2869, MedGen C0031269, MeSH D010580, MONDO:0008280, OMIM 175200.

Submission:

Petrovsky National Research Centre of Surgery, The Federal Agency for Scientific Organizations
Classification: Likely pathogenic for Peutz-Jeghers syndrome. Last evaluated: 2022-09-29. Review status: criteria provided, single submitter. Criteria: ACMG Guidelines, 2015. Collection method: clinical testing. Allele origin: germline. Inheritance: Autosomal dominant inheritance. Affected: yes. Observed: 1 heterozygote.
Comment: The variant was not described in any literature to our knowledge and is absent in Genome Aggregation Database (gnomAD). The evaluation of the effect of the variant was performed with literature search on Peutz-Jeghers syndrome and STK11 null-variants with the help of in silico predictors AutoPVS1 and NMDEscPredictor. Mutation is predicted to undergo NMD but we believe there’s possibility for short-isoform expression similar to what was discovered in the work of Pécuchet et al.[PMID: 26625312], and such short-isoforms possess oncogenic properties [PMID: 24998845]. Further evaluation requires proper functional studying. In accordance with ACMG(2015) criteria this variant is classified as Likely Pathogenic with following criteria selected: PVS1_VeryStrong, PM2.

Literature cited by the submitters: PubMed 26625312; PubMed 24998845.